The following is an entry in ClinVar:

NM_004360.5(CDH1):c.1137+114A>C

Gene: CDH1 (cadherin 1; plus strand). Cytogenetic location: 16q22.1.
Variant type: single nucleotide variant.
Coding change: c.1137+114A>C on transcript NM_004360.5 (MANE Select); 114 bases into the intron after coding-DNA position 1137, A replaced by C.
Molecular consequence: intron variant.
Genome position (GRCh38, 1-based): chr16:68,812,377, A>C. VCF-style: chr16-68812377-A-C. GRCh37 (hg19) VCF-style: chr16-68846280-A-C.
Other names: c.-479+114A>C (NM_001317185.2); c.-683+114A>C (NM_001317186.2); c.1137+114A>C (NM_001317184.2).
Identifiers: ClinVar variation 2502941 (VCV002502941.1), dbSNP rs1960864543, ClinGen allele CA2229970141.

ClinVar aggregate classification (germline): Uncertain significance (1 of 4 stars; one submission).

Conditions:
Hereditary diffuse gastric adenocarcinoma (HDGC). Also called: DIFFUSE GASTRIC AND LOBULAR BREAST CANCER SYNDROME. Identifiers: Orphanet 26106, MedGen C1708349, MONDO:0007648, OMIM 137215.

Allele frequency attached by ClinVar (database versions not stated): gnomAD exomes below 0.00001; TOPMed below 0.00001.
gnomAD v4.1: 3 of 1,164,360 alleles (0.00026%); highest among the groups gnomAD compares: East Asian, 0.0024%; no homozygotes.

Submission:

European Reference Network on Genetic Tumour Risk Syndromes (ERN-GENTURIS), i3s - Instituto de Investigação e Inovação em Saúde, University of Porto
Classification: Uncertain significance for Hereditary diffuse gastric adenocarcinoma. Last evaluated: 2022-08-01. Review status: criteria provided, single submitter. Criteria: Lee et al. (Hum Mutat. 2018). Collection method: clinical testing. Allele origin: germline. Inheritance: Autosomal dominant inheritance. Affected: no. Study: ERN GENTURIS.
Comment: PM2 (PMID: 30311375)

Literature cited by the submitters: PubMed 36436516.